The following is an entry in ClinVar:

NM_017872.5(THG1L):c.*5T>C

Gene: THG1L (tRNA-histidine guanylyltransferase 1 like; plus strand). Cytogenetic location: 5q33.3.
Variant type: single nucleotide variant.
Coding change: c.*5T>C on transcript NM_017872.5 (MANE Select); 5 bases downstream of the stop codon, T replaced by C.
Molecular consequence: 3 prime UTR variant.
Genome position (GRCh38, 1-based): chr5:157,739,487, T>C. VCF-style: chr5-157739487-T-C. GRCh37 (hg19) VCF-style: chr5-157166495-T-C.
Other names: c.*5T>C (NM_001317824.2, NM_001317825.2, NM_001317826.2).
Identifiers: ClinVar variation 4684877 (VCV004684877.1).
Genomic context (GRCh38, chr5:157,739,487, plus strand): 5'-TCATCGGGGATGCTTTCTGGAAGGAACATCCAGAGATTCTAGATGAAGACAGCTGACCCT[T>C]TTGCGCTTCAGTTCTGGTGTGCTTAACCATGCAAGCCCTCCCACCTCCCAGGGCTCCTTG-3'

ClinVar aggregate classification (germline): Benign (1 of 4 stars; one submission).

Submission:

Mayo Clinic Laboratories, Mayo Clinic
Classification: Benign. Last evaluated: 2025-04-15. Review status: criteria provided, single submitter. Criteria: ACMG Guidelines, 2015. Collection method: clinical testing. Allele origin: germline. Observed: 2 variant alleles.
Comment: BS1, BS2